The following is an entry in ClinVar:

NM_170754.4(TNS2):c.3470A>G (p.Lys1157Arg)

Gene: TNS2 (tensin 2; plus strand). Cytogenetic location: 12q13.13.
Variant type: single nucleotide variant.
Coding change: c.3470A>G on transcript NM_170754.4 (MANE Select); coding-DNA position 3470, A replaced by G.
Protein change: p.Lys1157Arg; replaces lysine 1157 with arginine.
Molecular consequence: missense variant.
Genome position (GRCh38, 1-based): chr12:53,061,836, A>G. VCF-style: chr12-53061836-A-G. GRCh37 (hg19) VCF-style: chr12-53455620-A-G.
Other names: c.3500A>G (NM_015319.2); c.3428A>G, p.Lys1143Arg (NM_001416203.1); c.3497A>G, p.Lys1166Arg (NM_001416204.1); c.3401A>G, p.Lys1134Arg (NM_015319.3); c.3098A>G, p.Lys1033Arg (NM_198316.2); c.3470A>G, p.Lys1157Arg (NM_001416202.1); short protein forms K1033R, K1143R, K1157R, K1134R, K1166R.
Identifiers: ClinVar variation 3681282 (VCV003681282.3).

ClinVar aggregate classification (germline): Uncertain significance. Review status: criteria provided, multiple submitters, no conflicts (2 of 4 stars). 2 submissions from 2 submitters: Uncertain significance (2). Last evaluated 2026-01-05.

gnomAD v4.1: 14 of 1,613,512 alleles (0.00087%); highest among the groups gnomAD compares: Admixed American, 0.012%; no homozygotes.

Submissions (2):

Labcorp Genetics (formerly Invitae), Labcorp
Classification: Uncertain significance. Last evaluated: 2026-01-05. Review status: criteria provided, single submitter. Criteria: Invitae Variant Classification Sherloc (09022015). Collection method: clinical testing. Allele origin: germline.
Comment: This sequence change replaces lysine, which is basic and polar, with arginine, which is basic and polar, at codon 1167 of the TNS2 protein (p.Lys1167Arg). This variant is present in population databases (rs755272699, gnomAD 0.01%). This variant has not been reported in the literature in individuals affected with TNS2-related conditions. ClinVar contains an entry for this variant (Variation ID: 3681282). An algorithm developed to predict the effect of missense changes on protein structure and function (PolyPhen-2) suggests that this variant is likely to be tolerated. In summary, the available evidence is currently insufficient to determine the role of this variant in disease. Therefore, it has been classified as a Variant of Uncertain Significance.

Ambry Genetics
Classification: Uncertain significance. Last evaluated: 2025-05-13. Review status: criteria provided, single submitter. Criteria: Ambry Variant Classification Scheme 2023. Collection method: clinical testing. Allele origin: germline.